The following is an entry in ClinVar:

NM_001374353.1(GLI2):c.3826A>G (p.Thr1276Ala)

Gene: GLI2 (GLI family zinc finger 2; plus strand). Cytogenetic location: 2q14.2.
Variant type: single nucleotide variant.
Coding change: c.3826A>G on transcript NM_001374353.1 (MANE Select); coding-DNA position 3826, A replaced by G.
Protein change: p.Thr1276Ala; replaces threonine 1276 with alanine.
Molecular consequence: missense variant.
Genome position (GRCh38, 1-based): chr2:120,989,791, A>G. VCF-style: chr2-120989791-A-G. GRCh37 (hg19) VCF-style: chr2-121747367-A-G.
Other names: c.3877A>G, p.Thr1293Ala (NM_001371271.1, NM_005270.5); c.3451A>G, p.Thr1151Ala (NM_001374354.1); short protein forms T1151A, T1276A, T1293A.
Identifiers: ClinVar variation 2246639 (VCV002246639.3), dbSNP rs755264335, ClinGen allele CA1852496.

ClinVar aggregate classification (germline): Uncertain significance. Review status: criteria provided, multiple submitters, no conflicts (2 of 4 stars). 2 submissions from 2 submitters: Uncertain significance (2). Last evaluated 2025-06-10.

Conditions:
Holoprosencephaly 9 (HPE9). Also called: HOLOPROSENCEPHALY WITH MICROPHTHALMIA AND FIRST BRANCHIAL ARCH ANOMALIES; PITUITARY ANOMALIES WITH HOLOPROSENCEPHALY-LIKE FEATURES. Identifiers: Orphanet 2162, MedGen C1835819, MONDO:0012563, OMIM 610829.
Postaxial polydactyly-anterior pituitary anomalies-facial dysmorphism syndrome. Also called: Culler-Jones syndrome. Identifiers: Orphanet 420584, MedGen C4014479, MONDO:0014369, OMIM 615849.
Inborn genetic diseases. Identifiers: MedGen C0950123, MeSH D030342.

Allele frequency attached by ClinVar (database versions not stated): ExAC 0.00002; gnomAD exomes 0.00001.
gnomAD v4.1: 4 of 1,610,784 alleles (0.00025%); highest among the groups gnomAD compares: Admixed American, 0.0067%; no homozygotes.

Submissions (2):

Labcorp Genetics (formerly Invitae), Labcorp
Classification: Uncertain significance for Postaxial polydactyly-anterior pituitary anomalies-facial dysmorphism syndrome; Holoprosencephaly 9. Last evaluated: 2025-06-10. Review status: criteria provided, single submitter. Criteria: Invitae Variant Classification Sherloc (09022015). Collection method: clinical testing. Allele origin: germline.
Comment: This sequence change replaces threonine, which is neutral and polar, with alanine, which is neutral and non-polar, at codon 1293 of the GLI2 protein (p.Thr1293Ala). This variant is present in population databases (rs755264335, gnomAD 0.009%). This variant has not been reported in the literature in individuals affected with GLI2-related conditions. ClinVar contains an entry for this variant (Variation ID: 2246639). Invitae Evidence Modeling of protein sequence and biophysical properties (such as structural, functional, and spatial information, amino acid conservation, physicochemical variation, residue mobility, and thermodynamic stability) indicates that this missense variant is not expected to disrupt GLI2 protein function with a negative predictive value of 80%. In summary, the available evidence is currently insufficient to determine the role of this variant in disease. Therefore, it has been classified as a Variant of Uncertain Significance.

Ambry Genetics
Classification: Uncertain significance for Inborn genetic diseases. Last evaluated: 2021-08-23. Review status: criteria provided, single submitter. Criteria: Ambry Variant Classification Scheme 2023. Collection method: clinical testing. Allele origin: germline.